The following is an entry in ClinVar:

NM_020884.7(MYH7B):c.3828G>C (p.Gln1276His)

Gene: MYH7B (myosin heavy chain 7B; plus strand). Cytogenetic location: 20q11.22.
Variant type: single nucleotide variant.
Coding change: c.3828G>C on transcript NM_020884.7 (MANE Select); coding-DNA position 3828, G replaced by C.
Protein change: p.Gln1276His; replaces glutamine 1276 with histidine.
Molecular consequence: missense variant.
Genome position (GRCh38, 1-based): chr20:34,998,375, G>C. VCF-style: chr20-34998375-G-C. GRCh37 (hg19) VCF-style: chr20-33586178-G-C.
Other names: short protein forms Q1276H.
Identifiers: ClinVar variation 2283823 (VCV002283823.4), dbSNP rs1449248985, ClinGen allele CA408712528.

ClinVar aggregate classification (germline): Uncertain significance. Review status: criteria provided, multiple submitters, no conflicts (2 of 4 stars). 2 submissions from 2 submitters: Uncertain significance (2). Last evaluated 2024-09-08.

Allele frequency attached by ClinVar (database versions not stated): gnomAD exomes below 0.00001.
gnomAD v4.1: 2 of 1,613,712 alleles (0.00012%); highest among the groups gnomAD compares: Admixed American, 0.0033%; no homozygotes.

Submissions (2):

Labcorp Genetics (formerly Invitae), Labcorp
Classification: Uncertain significance. Last evaluated: 2024-09-08. Review status: criteria provided, single submitter. Criteria: Invitae Variant Classification Sherloc (09022015). Collection method: clinical testing. Allele origin: germline.
Comment: This sequence change replaces glutamine, which is neutral and polar, with histidine, which is basic and polar, at codon 1318 of the MYH7B protein (p.Gln1318His). This variant is present in population databases (no rsID available, gnomAD 0.006%). This variant has not been reported in the literature in individuals affected with MYH7B-related conditions. ClinVar contains an entry for this variant (Variation ID: 2283823). Invitae Evidence Modeling of protein sequence and biophysical properties (such as structural, functional, and spatial information, amino acid conservation, physicochemical variation, residue mobility, and thermodynamic stability) indicates that this missense variant is not expected to disrupt MYH7B protein function with a negative predictive value of 80%. In summary, the available evidence is currently insufficient to determine the role of this variant in disease. Therefore, it has been classified as a Variant of Uncertain Significance.

Ambry Genetics
Classification: Uncertain significance. Last evaluated: 2022-04-13. Review status: criteria provided, single submitter. Criteria: Ambry Variant Classification Scheme 2023. Collection method: clinical testing. Allele origin: germline.